The following is an entry in ClinVar:

NM_003002.4(SDHD):c.479G>A (p.Ter160=)

Gene: SDHD (succinate dehydrogenase complex subunit D; plus strand). Cytogenetic location: 11q23.1.
Variant type: single nucleotide variant.
Coding change: c.479G>A on transcript NM_003002.4 (MANE Select); coding-DNA position 479, G replaced by A.
Protein change: p.Ter160=.
Molecular consequence: synonymous variant. On other transcripts: 3 prime UTR variant (2), non-coding transcript variant (1).
Genome position (GRCh38, 1-based): chr11:112,094,969, G>A. VCF-style: chr11-112094969-G-A. GRCh37 (hg19) VCF-style: chr11-111965693-G-A.
Other names: c.*76G>A (NM_001276503.2); c.362G>A, p.Ter121= (NM_001276504.2); c.*177G>A (NM_001276506.2).
Identifiers: ClinVar variation 696870 (VCV000696870.16), dbSNP rs201372601, ClinGen allele CA476791119.

ClinVar aggregate classification (germline): Benign/Likely benign. Review status: criteria provided, multiple submitters, no conflicts (2 of 4 stars). 4 submissions from 4 submitters: Benign (1); Likely benign (3). Last evaluated 2025-06-23.

Conditions:
Hereditary cancer-predisposing syndrome. Also called: Tumor predisposition; Hereditary Cancer Syndrome; Hereditary neoplastic syndrome; Neoplastic Syndromes, Hereditary. Identifiers: Orphanet 140162, MedGen C0027672, MeSH D009386, MONDO:0015356.
Hereditary pheochromocytoma and paraganglioma. Also called: Hereditary paragangliomas and pheochromocytomas; Hereditary pheochromocytoma-paraganglioma; Hereditary Paraganglioma-Pheochromocytoma Syndromes. Identifiers: Orphanet 29072, MedGen C4274332, MONDO:0017366.
Pheochromocytoma/paraganglioma syndrome 1. Also called: SDHD-Related Hereditary Paraganglioma-Pheochromocytoma Syndrome; PARAGANGLIOMATA; PARAGANGLIOMAS, FAMILIAL NONCHROMAFFIN, 1; PGL 1; Paragangliomas familial 1; Paragangliomas 1. Identifiers: Orphanet 29072, MedGen C3494181, MONDO:0008192, OMIM 168000.
Cowden syndrome 3 (CWS3). Identifiers: Orphanet 201, MedGen CN166604, MONDO:0014045.
Paragangliomas with sensorineural hearing loss. Identifiers: MedGen C1868633.
Carney-Stratakis syndrome. Also called: PARAGANGLIOMA AND GASTROINTESTINAL STROMAL TUMOR. Identifiers: Orphanet 97286, MedGen C1847319, MONDO:0011740, OMIM 606864.
Pheochromocytoma. Also called: MAX-Related Hereditary Paraganglioma-Pheochromocytoma Syndrome. Identifiers: Orphanet 29072, MedGen C0031511, MONDO:0008233, OMIM 171300, HP:0002666.

gnomAD v4.1: 4 of 1,610,618 alleles (0.00025%); highest among the groups gnomAD compares: African/African-American, 0.0027%; no homozygotes.

Submissions (4):

Labcorp Genetics (formerly Invitae), Labcorp
Classification: Likely benign for Carney-Stratakis syndrome; Paragangliomas with sensorineural hearing loss; Pheochromocytoma; Cowden syndrome 3. Last evaluated: 2025-06-23. Review status: criteria provided, single submitter. Criteria: Invitae Variant Classification Sherloc (09022015). Collection method: clinical testing. Allele origin: germline.

Myriad Genetics, Inc.
Classification: Benign for Pheochromocytoma/paraganglioma syndrome 1. Last evaluated: 2025-03-18. Review status: criteria provided, single submitter. Criteria: Myriad Autosomal Dominant, Autosomal Recessive and X-Linked Classification Criteria (2023). Collection method: clinical testing. Allele origin: unknown.
Comment: This variant is considered benign. This variant is a silent/synonymous amino acid change and it is not expected to impact splicing.

Color Diagnostics, LLC DBA Color Health
Classification: Likely benign for Hereditary pheochromocytoma and paraganglioma. Last evaluated: 2022-10-13. Review status: criteria provided, single submitter. Criteria: ACMG Guidelines, 2015. Collection method: clinical testing. Allele origin: germline.

Ambry Genetics
Classification: Likely benign for Hereditary cancer-predisposing syndrome. Last evaluated: 2021-06-14. Review status: criteria provided, single submitter. Criteria: Ambry Variant Classification Scheme 2023. Collection method: clinical testing. Allele origin: germline.